The following is an entry in ClinVar:

NM_001031689.3(PLAA):c.1039G>A (p.Gly347Ser)

Gene: PLAA (phospholipase A2 activating protein; minus strand). Cytogenetic location: 9p21.2.
Variant type: single nucleotide variant.
Coding change: c.1039G>A on transcript NM_001031689.3 (MANE Select); coding-DNA position 1039, G replaced by A.
Protein change: p.Gly347Ser; replaces glycine 347 with serine.
Molecular consequence: missense variant.
Genome position (GRCh38, 1-based): chr9:26,923,178, C>T on the plus strand (G>A on the coding strand, the complement: PLAA is on the minus strand). VCF-style: chr9-26923178-C-T. GRCh37 (hg19) VCF-style: chr9-26923176-C-T.
Other names: c.1039G>A, p.Gly347Ser (NM_001321546.2); short protein forms G347S.
Identifiers: ClinVar variation 1523740 (VCV001523740.6), dbSNP rs2131386720, ClinGen allele CA373132729.

ClinVar aggregate classification (germline): Uncertain significance (1 of 4 stars; one submission).

Allele frequency attached by ClinVar (database versions not stated): gnomAD exomes below 0.00001.
gnomAD v4.1: 1 of 1,580,070 alleles (0.000063%); highest among the groups gnomAD compares: African/African-American, 0.0014%; no homozygotes.

Submission:

Labcorp Genetics (formerly Invitae), Labcorp
Classification: Uncertain significance. Last evaluated: 2021-10-08. Review status: criteria provided, single submitter. Criteria: Invitae Variant Classification Sherloc (09022015). Collection method: clinical testing. Allele origin: germline.
Comment: In summary, the available evidence is currently insufficient to determine the role of this variant in disease. Therefore, it has been classified as a Variant of Uncertain Significance. Variants that disrupt the consensus splice site are a relatively common cause of aberrant splicing (PMID: 17576681, 9536098). Algorithms developed to predict the effect of sequence changes on RNA splicing suggest that this variant may disrupt the consensus splice site. Algorithms developed to predict the effect of missense changes on protein structure and function (SIFT, PolyPhen-2, Align-GVGD) all suggest that this variant is likely to be disruptive. This variant has not been reported in the literature in individuals affected with PLAA-related conditions. This variant is not present in population databases (ExAC no frequency). This sequence change replaces glycine with serine at codon 347 of the PLAA protein (p.Gly347Ser). The glycine residue is highly conserved and there is a small physicochemical difference between glycine and serine. This variant also falls at the last nucleotide of exon 7, which is part of the consensus splice site for this exon.

Literature cited by the submitters: PubMed 17576681; PubMed 9536098.